The following is an entry in ClinVar:

NM_004970.3(IGFALS):c.1708G>A (p.Asp570Asn)

Gene: IGFALS (insulin like growth factor binding protein acid labile subunit; minus strand). Cytogenetic location: 16p13.3.
Variant type: single nucleotide variant.
Coding change: c.1708G>A on transcript NM_004970.3 (MANE Select); coding-DNA position 1708, G replaced by A.
Protein change: p.Asp570Asn; replaces aspartic acid 570 with asparagine.
Molecular consequence: missense variant. On other transcripts: non-coding transcript variant (1).
Genome position (GRCh38, 1-based): chr16:1,790,710, C>T on the plus strand (G>A on the coding strand, the complement: IGFALS is on the minus strand). VCF-style: chr16-1790710-C-T. GRCh37 (hg19) VCF-style: chr16-1840711-C-T.
Other names: c.1822G>A, p.Asp608Asn (NM_001146006.2); short protein forms D570N, D608N.
Identifiers: ClinVar variation 318233 (VCV000318233.10), dbSNP rs143070371, ClinGen allele CA7820232.

ClinVar aggregate classification (germline): Uncertain significance. Review status: criteria provided, multiple submitters, no conflicts (2 of 4 stars). 4 submissions from 4 submitters: Uncertain significance (4). Last evaluated 2026-06-11.

Conditions:
Short stature due to primary acid-labile subunit deficiency. Also called: Acid-labile subunit, deficiency of; Acid-labile subunit deficiency. Identifiers: Orphanet 140941, MedGen C3900122, MONDO:0014420, OMIM 615961.

Allele frequency attached by ClinVar (database versions not stated): 1000 Genomes Project 30x 0.00047; 1000 Genomes Project 0.00060; ESP Exome Variant Server 0.00062; gnomAD 0.00070; TOPMed 0.00070; ExAC 0.00121.
gnomAD v4.1: 2,365 of 1,608,640 alleles (0.15%); highest among the groups gnomAD compares: Non-Finnish European, 0.19%; 3 homozygotes.

Submissions (4):

Women's Health and Genetics/Laboratory Corporation of America, LabCorp
Classification: Uncertain significance. Last evaluated: 2026-06-11. Review status: criteria provided, single submitter. Criteria: LabCorp Variant Classification Summary - May 2015. Collection method: clinical testing. Allele origin: germline.
Comment: Variant summary: IGFALS c.1708G>A (p.Asp570Asn) results in a conservative amino acid change in the encoded protein sequence. Algorithms developed to predict the effect of missense changes on protein structure and function are either unavailable or do not agree on the potential impact of this missense change. The variant allele was found at a frequency of 0.0015 in 1608640 control chromosomes in the gnomAD database, including 3 homozygotes. This frequency is not significantly higher than estimated for disease-causing variants in IGFALS, allowing no conclusion about variant significance. To our knowledge, no occurrence of c.1708G>A in individuals affected with IGFALS-related conditions and no experimental evidence demonstrating its impact on protein function have been reported. ClinVar contains an entry for this variant (Variation ID: 318233). Based on the evidence outlined above, the variant was classified as uncertain significance.

Blueprint Genetics
Classification: Uncertain significance. Last evaluated: 2024-09-05. Review status: criteria provided, single submitter. Criteria: ACMG Guidelines, 2015. Collection method: clinical testing. Allele origin: germline.

GeneDx
Classification: Uncertain significance. Last evaluated: 2023-07-30. Review status: criteria provided, single submitter. Criteria: GeneDx Variant Classification Process June 2021. Collection method: clinical testing. Allele origin: germline. Affected: yes.
Comment: In silico analysis supports that this missense variant does not alter protein structure/function; Has not been previously published in an individual with IGFALS-related disease as pathogenic or benign to our knowledge; This variant is associated with the following publications: (PMID: 34662886)

Illumina Laboratory Services, Illumina
Classification: Uncertain significance for Short stature due to primary acid-labile subunit deficiency. Last evaluated: 2018-01-13. Review status: criteria provided, single submitter. Criteria: ICSL Variant Classification Criteria 13 December 2019. Collection method: clinical testing. Allele origin: germline.